The following is an entry in ClinVar:

ClinVar aggregate classification (germline): Pathogenic (1 of 4 stars; one submission).

Submission:

ISCA Site 6
Classification: Pathogenic. Last evaluated: 2011-08-12. Review status: criteria provided, single submitter. Criteria: Kaminsky et al. (Genet Med. 2011). Collection method: clinical testing. Allele origin: unknown. Affected: yes. Observed: 2 variant alleles.
Comment: Copy number variation identified through the course of routine clinical cytogenomic testing in postnatal populations. Clinical assertions have been curated as described in Kaminsky et al. 2011.

GRCh38/hg38 22q11.21(chr22:18339130-21101267)x1

Genes: AIFM3 (AIF family member 3; plus strand), ARVCF (ARVCF delta catenin family member; minus strand), C22orf39 (chromosome 22 open reading frame 39; minus strand), CCDC188 (coiled-coil domain containing 188; minus strand), CDC45 (cell division cycle 45; plus strand) and 185 more. Cytogenetic location: 22q11.21.
Variant type: copy number loss.
Change: copy number 1 (one copy instead of two) of chr22:18,339,130-21,101,267 (2.76 Mb, GRCh38 coordinates, 1-based), cytogenetic band 22q11.21.
Identifiers: ClinVar variation 59213 (VCV000059213.2).